The following is an entry in ClinVar:

ClinVar aggregate classification (germline): Uncertain significance (1 of 4 stars; one submission).

Conditions:
Hereditary cancer-predisposing syndrome. Also called: Tumor predisposition; Neoplastic Syndromes, Hereditary; Hereditary Cancer Syndrome; Hereditary neoplastic syndrome. Identifiers: Orphanet 140162, MedGen C0027672, MeSH D009386, MONDO:0015356.

Submission:

Ambry Genetics
Classification: Uncertain significance for Hereditary cancer-predisposing syndrome. Last evaluated: 2024-10-29. Review status: criteria provided, single submitter. Criteria: Ambry Variant Classification Scheme 2023. Collection method: clinical testing. Allele origin: germline.
Comment: The p.M52L variant (also known as c.154A>C), located in coding exon 2 of the CDKN2A gene, results from an A to C substitution at nucleotide position 154. The methionine at codon 52 is replaced by leucine, an amino acid with highly similar properties. Of note, this variant is also known as c.197A>C (p.H66P) in the p14(ARF) isoform. This amino acid position is highly conserved in available vertebrate species. In addition, the in silico prediction for this alteration is inconclusive. Based on the available evidence, the clinical significance of this variant remains unclear.

NM_000077.5(CDKN2A):c.154A>C (p.Met52Leu)

Gene: CDKN2A (cyclin dependent kinase inhibitor 2A; minus strand). Cytogenetic location: 9p21.3.
Variant type: single nucleotide variant.
Coding change: c.154A>C on transcript NM_000077.5; coding-DNA position 154, A replaced by C.
Protein change: p.Met52Leu; replaces methionine 52 with leucine.
Molecular consequence: missense variant (on NM_000077.6). On other transcripts: initiator codon variant (1), 3 prime UTR variant (1).
Genome position (GRCh38, 1-based): chr9:21,971,205, T>G on the plus strand (A>C on the coding strand, the complement: CDKN2A is on the minus strand). VCF-style: chr9-21971205-T-G. GRCh37 (hg19) VCF-style: chr9-21971204-T-G.
Other names: c.154A>C, p.Met52Leu (NM_000077.6, NM_001195132.2); c.1A>C, p.Met1Leu (NM_001363763.2); c.197A>C, p.His66Pro (NM_058195.4); c.*77A>C (NM_058197.5); short protein forms M1L, H66P, M52L.
Identifiers: ClinVar variation 3489675 (VCV003489675.1).
Genomic context (GRCh38, chr9:21,971,205, plus strand): 5'-AGTTGGGCTCCGCGCCGTGGAGCAGCAGCAGCTCCGCCACTCGGGCGCTGCCCATCATCA[T>G]GACCTGCCAGAGAGAACAGAATGGTCAGAGCCAGGGTGGGGGCCGGCATGACGGAAAGGA-3'
Protein context (NP_000068.1, residues 42-62): NSYGRRPIQV[Met52Leu]MMGSARVAEL